The following is an entry in ClinVar:

NM_015559.3(SETBP1):c.712del (p.Ser238fs)

Gene: SETBP1 (SET binding protein 1; plus strand). Cytogenetic location: 18q12.3.
Variant type: Deletion.
Coding change: c.712del on transcript NM_015559.3 (MANE Select); coding-DNA position 712, one base deleted (A; older notation c.712delA).
Protein change: p.Ser238fs; shifts the reading frame from serine 238.
Molecular consequence: frameshift variant.
Genome position (GRCh38, 1-based): chr18:44,950,052, A deleted. VCF-style (leftmost placement, unchanged base first): chr18-44950051-CA-C. GRCh37 (hg19) VCF-style: chr18-42530016-CA-C.
Other names: c.712del, p.Ser238fs (NM_001379141.1, NM_001379142.1, NM_001410862.1); short protein forms S238fs.
Identifiers: ClinVar variation 4533245 (VCV004533245.1).

ClinVar aggregate classification (germline): Pathogenic (1 of 4 stars; one submission).

Conditions:
Schinzel-Giedion syndrome (SGS). Identifiers: Orphanet 798, MedGen C0265227, MONDO:0010010, OMIM 269150.
Intellectual developmental disorder, autosomal dominant 29. Also called: Intellectual disability, autosomal dominant 29; SETBP1 Haploinsufficiency Disorder. Identifiers: Orphanet 436151, MedGen C4015141, MONDO:0014482, OMIM 616078.

Submission:

Juno Genomics, Hangzhou Juno Genomics, Inc
Classification: Pathogenic for Intellectual developmental disorder, autosomal dominant 29; Schinzel-Giedion syndrome. Review status: criteria provided, single submitter. Criteria: ACMG Guidelines, 2015. Collection method: clinical testing. Allele origin: germline. Affected: yes.
Comment: Absent from controls (or at extremely low frequency if recessive) in Genome Aggregation Database, Exome Sequencing Project, 1000 Genomes Project, or Exome Aggregation Consortium.;De novo (both maternity and paternity confirmed) in a patient with the disease and no family history.;Null variant in a gene where loss of function (LOF) is a known mechanism of disease.